The following is an entry in ClinVar:

NM_017947.4(MOCOS):c.2033C>T (p.Ala678Val)

Gene: MOCOS (molybdenum cofactor sulfurase; plus strand). Cytogenetic location: 18q12.2.
Variant type: single nucleotide variant.
Coding change: c.2033C>T on transcript NM_017947.4 (MANE Select); coding-DNA position 2033, C replaced by T.
Protein change: p.Ala678Val; replaces alanine 678 with valine.
Molecular consequence: missense variant.
Genome position (GRCh38, 1-based): chr18:36,248,994, C>T. VCF-style: chr18-36248994-C-T. GRCh37 (hg19) VCF-style: chr18-33828957-C-T.
Other names: short protein forms A678V.
Identifiers: ClinVar variation 2122239 (VCV002122239.4), dbSNP rs2510979708, ClinGen allele CA402225759.

ClinVar aggregate classification (germline): Uncertain significance (1 of 4 stars; one submission).

Conditions:
Xanthinuria type II. Also called: Xanthine dehydrogenase and aldehyde oxidase combined deficiency of; XDH and AOX dual deficiency. Identifiers: Orphanet 3467, Orphanet 93602, MedGen C1863688, MONDO:0011346, OMIM 603592.

Allele frequency attached by ClinVar (database versions not stated): gnomAD exomes below 0.00001.
gnomAD v4.1: 2 of 1,613,996 alleles (0.00012%); highest among the groups gnomAD compares: South Asian, 0.0011%; no homozygotes.

Submission:

Labcorp Genetics (formerly Invitae), Labcorp
Classification: Uncertain significance for Xanthinuria type II. Last evaluated: 2022-07-30. Review status: criteria provided, single submitter. Criteria: Invitae Variant Classification Sherloc (09022015). Collection method: clinical testing. Allele origin: germline.
Comment: Algorithms developed to predict the effect of missense changes on protein structure and function are either unavailable or do not agree on the potential impact of this missense change (SIFT: "Tolerated"; PolyPhen-2: "Possibly Damaging"; Align-GVGD: "Class C0"). In summary, the available evidence is currently insufficient to determine the role of this variant in disease. Therefore, it has been classified as a Variant of Uncertain Significance. This variant has not been reported in the literature in individuals affected with MOCOS-related conditions. This sequence change replaces alanine, which is neutral and non-polar, with valine, which is neutral and non-polar, at codon 678 of the MOCOS protein (p.Ala678Val). This variant is not present in population databases (gnomAD no frequency).